The following is an entry in ClinVar:

ClinVar aggregate classification (germline): Uncertain significance (1 of 4 stars; one submission).

Conditions:
Inborn genetic diseases. Identifiers: MedGen C0950123, MeSH D030342.

gnomAD v4.1: 1 of 1,614,186 alleles (0.000062%); highest among the groups gnomAD compares: Non-Finnish European, 0.000085%; no homozygotes.

Submission:

Ambry Genetics
Classification: Uncertain significance for Inborn genetic diseases. Last evaluated: 2024-12-29. Review status: criteria provided, single submitter. Criteria: Ambry Variant Classification Scheme 2023. Collection method: clinical testing. Allele origin: germline.
Comment: The p.L373I variant (also known as c.1117C>A), located in coding exon 11 of the DDX41 gene, results from a C to A substitution at nucleotide position 1117. The leucine at codon 373 is replaced by isoleucine, an amino acid with highly similar properties. This amino acid position is conserved. In addition, the in silico prediction for this alteration is inconclusive. Based on the available evidence, the clinical significance of this variant remains unclear.

NM_016222.4(DDX41):c.1117C>A (p.Leu373Ile)

Gene: DDX41 (DEAD-box helicase 41; minus strand). Cytogenetic location: 5q35.3.
Variant type: single nucleotide variant.
Coding change: c.1117C>A on transcript NM_016222.4 (MANE Select); coding-DNA position 1117, C replaced by A.
Protein change: p.Leu373Ile; replaces leucine 373 with isoleucine.
Molecular consequence: missense variant.
Genome position (GRCh38, 1-based): chr5:177,513,466, G>T on the plus strand (C>A on the coding strand, the complement: DDX41 is on the minus strand). VCF-style: chr5-177513466-G-T. GRCh37 (hg19) VCF-style: chr5-176940467-G-T.
Other names: c.739C>A, p.Leu247Ile (NM_001321732.2, NM_001321830.2); short protein forms L247I, L373I.
Identifiers: ClinVar variation 3838965 (VCV003838965.1).